The following is an entry in ClinVar:

ClinVar aggregate classification (germline): Pathogenic (1 of 4 stars; one submission).

Submission:

Mayo Clinic Laboratories, Mayo Clinic
Classification: Pathogenic. Last evaluated: 2020-07-30. Review status: criteria provided, single submitter. Criteria: ACMG Guidelines, 2015. Collection method: clinical testing. Allele origin: germline. Observed: 1 variant allele.
Comment: A whole gene deletion of the SLC2A1 gene. PVS1, PM2, PP4

Literature cited by the submitters: PubMed 10980529; PubMed 9462754; PubMed 20382060; PubMed 11477212.

Single allele

Gene: SLC2A1 (solute carrier family 2 member 1; minus strand). Cytogenetic location: 1p34.2.
Variant type: Deletion.
Identifiers: ClinVar variation 1120159 (VCV001120159.5).